The following is an entry in ClinVar:

NM_016628.5(WAC):c.1649G>A (p.Arg550Gln)

Gene: WAC (WW domain containing adaptor with coiled-coil; plus strand). Cytogenetic location: 10p12.1.
Variant type: single nucleotide variant.
Coding change: c.1649G>A on transcript NM_016628.5 (MANE Select); coding-DNA position 1649, G replaced by A.
Protein change: p.Arg550Gln; replaces arginine 550 with glutamine.
Molecular consequence: missense variant.
Genome position (GRCh38, 1-based): chr10:28,616,265, G>A. VCF-style: chr10-28616265-G-A. GRCh37 (hg19) VCF-style: chr10-28905194-G-A.
Other names: c.1514G>A, p.Arg505Gln (NM_100264.3); c.1340G>A, p.Arg447Gln (NM_100486.4); short protein forms R447Q, R505Q, R550Q.
Identifiers: ClinVar variation 1303954 (VCV001303954.2), dbSNP rs1841462635, ClinGen allele CA376405777.

ClinVar aggregate classification (germline): Uncertain significance (1 of 4 stars; one submission).

Allele frequency attached by ClinVar (database versions not stated): gnomAD exomes below 0.00001; TOPMed below 0.00001; gnomAD 0.00001.
gnomAD v4.1: 6 of 1,613,818 alleles (0.00037%); highest among the groups gnomAD compares: South Asian, 0.0022%; no homozygotes.

Submission:

GeneDx
Classification: Uncertain significance. Last evaluated: 2021-01-08. Review status: criteria provided, single submitter. Criteria: GeneDx Variant Classification Process June 2021. Collection method: clinical testing. Allele origin: germline. Affected: yes.
Comment: Not observed in large population cohorts (Lek et al., 2016); In silico analysis supports that this missense variant does not alter protein structure/function; Has not been previously published as pathogenic or benign to our knowledge